The following is an entry in ClinVar:

NM_000512.5(GALNS):c.120+4A>G

Genes: GALNS (galactosamine (N-acetyl)-6-sulfatase; minus strand), TRAPPC2L (trafficking protein particle complex subunit 2L; plus strand), LOC130059762 (ATAC-STARR-seq lymphoblastoid silent region 7883; plus strand). Cytogenetic location: 16q24.3.
Variant type: single nucleotide variant.
Coding change: c.120+4A>G on transcript NM_000512.5 (MANE Select); 4 bases into the intron after coding-DNA position 120, A replaced by G.
Molecular consequence: intron variant.
Genome position (GRCh38, 1-based): chr16:88,856,754, T>C on the plus strand (A>G on the coding strand, the complement: GALNS is on the minus strand). VCF-style: chr16-88856754-T-C. GRCh37 (hg19) VCF-style: chr16-88923162-T-C.
Other names: c.-312+4A>G (NM_001323543.2); c.-33+4A>G (NM_001323544.2).
Identifiers: ClinVar variation 837574 (VCV000837574.7), dbSNP rs1213209894, ClinGen allele CA624209488.

ClinVar aggregate classification (germline): Uncertain significance. Review status: criteria provided, multiple submitters, no conflicts (2 of 4 stars). 2 submissions from 2 submitters: Uncertain significance (2). Last evaluated 2025-08-11.

Conditions:
Mucopolysaccharidosis, MPS-IV-A (MPS4A). Also called: MPS IVA; Morquio syndrome A, mild; GALACTOSAMINE-6-SULFATASE DEFICIENCY; GALNS DEFICIENCY; MORQUIO A DISEASE; Mucopolysaccharidosis type IV A. Identifiers: Orphanet 309297, Orphanet 582, MedGen C0086651, MONDO:0009659, OMIM 253000.

Allele frequency attached by ClinVar (database versions not stated): gnomAD exomes below 0.00001.
gnomAD v4.1: 1 of 1,355,204 alleles (0.000074%); highest among the groups gnomAD compares: Admixed American, 0.0021%; no homozygotes.

Submissions (2):

Revvity Omics, Revvity
Classification: Uncertain significance for Mucopolysaccharidosis, MPS-IV-A. Last evaluated: 2025-08-11. Review status: criteria provided, single submitter. Criteria: ACMG Guidelines, 2015. Collection method: clinical testing. Allele origin: germline.

Labcorp Genetics (formerly Invitae), Labcorp
Classification: Uncertain significance for Mucopolysaccharidosis, MPS-IV-A. Last evaluated: 2022-02-01. Review status: criteria provided, single submitter. Criteria: Invitae Variant Classification Sherloc (09022015). Collection method: clinical testing. Allele origin: germline.
Comment: This sequence change falls in intron 1 of the GALNS gene. It does not directly change the encoded amino acid sequence of the GALNS protein. It affects a nucleotide within the consensus splice site. The frequency data for this variant in the population databases is considered unreliable, as metrics indicate poor data quality at this position in the gnomAD database. This variant has been observed in individual(s) with mucopolysaccharidosis type IVA (Invitae). ClinVar contains an entry for this variant (Variation ID: 837574). Variants that disrupt the consensus splice site are a relatively common cause of aberrant splicing (PMID: 17576681, 9536098). Algorithms developed to predict the effect of sequence changes on RNA splicing suggest that this variant may disrupt the consensus splice site. In summary, the available evidence is currently insufficient to determine the role of this variant in disease. Therefore, it has been classified as a Variant of Uncertain Significance.

Literature cited by the submitters: PubMed 17576681 (cited by Labcorp Genetics (formerly Invitae), Labcorp); PubMed 9536098 (cited by Labcorp Genetics (formerly Invitae), Labcorp).